The following is an entry in ClinVar:

ClinVar aggregate classification (germline): Pathogenic/Likely pathogenic. Review status: criteria provided, multiple submitters, no conflicts (2 of 4 stars). 2 submissions from 2 submitters: Pathogenic (1); Likely pathogenic (1). Last evaluated 2026-01-30.

Conditions:
Inborn genetic diseases. Identifiers: MedGen C0950123, MeSH D030342.
EBF3-related disorder. Identifiers: MedGen CN239924.

Submissions (2):

Ambry Genetics
Classification: Pathogenic for Inborn genetic diseases. Last evaluated: 2026-01-30. Review status: criteria provided, single submitter. Criteria: Ambry Variant Classification Scheme 2023. Collection method: clinical testing. Allele origin: germline.
Comment: The c.397_401dupTCAAT (p.M134Ifs*3) alteration, located in exon 4 (coding exon 4) of the EBF3 gene, consists of a duplication of TCAAT at position 397, causing a translational frameshift with a predicted alternate stop codon after 3 amino acids. This alteration is expected to result in loss of function by premature protein truncation or nonsense-mediated mRNA decay. This variant was not reported in population-based cohorts in the Genome Aggregation Database (gnomAD). Based on the available evidence, this alteration is classified as pathogenic.

PreventionGenetics, part of Exact Sciences
Classification: Likely pathogenic for EBF3-related condition. Last evaluated: 2025-10-21. Review status: criteria provided, single submitter. Criteria: ACMG Guidelines, 2015. Collection method: clinical testing. Allele origin: germline.
Comment: The EBF3 c.397_401dup5 variant is predicted to result in a frameshift and premature protein termination (p.Met134Ilefs*3). To our knowledge, this variant has not been reported in the literature or in a large population database (gnomAD), indicating this variant is rare. Frameshift variants in EBF3 are expected to be pathogenic. This variant is interpreted as likely pathogenic.

NM_001375380.1(EBF3):c.397_401dup (p.Met134fs)

Gene: EBF3 (EBF transcription factor 3; minus strand). Cytogenetic location: 10q26.3.
Variant type: Duplication.
Coding change: c.397_401dup on transcript NM_001375380.1 (MANE Select); coding-DNA positions 397 to 401, 5 bases duplicated (TCAAT; older notation c.397_401dupTCAAT).
Protein change: p.Met134fs; shifts the reading frame from methionine 134.
Molecular consequence: frameshift variant.
Genome position (GRCh38, 1-based): chr10:129,962,181-129,962,185, ATTGA duplicated on the plus strand (TCAAT on the coding strand, the reverse complement: EBF3 is on the minus strand); duplicating any 5 consecutive bases within chr10:129,962,181-129,962,187 gives the same sequence; the c. name uses the placement nearest the transcript's 3' end. VCF-style (leftmost placement, unchanged base first): chr10-129962180-C-CATTGA. GRCh37 (hg19) VCF-style: chr10-131760444-C-CATTGA.
Other names: c.397_401dup, p.Met134fs (NM_001005463.3, NM_001375379.1, NM_001375389.1 and 3 more transcripts); c.397_401dup5 (NM_001005463.2); short protein forms M134fs.
Identifiers: ClinVar variation 4839472 (VCV004839472.2).